The following is an entry in ClinVar:

ClinVar aggregate classification (germline): Uncertain significance (1 of 4 stars; one submission).

Conditions:
Cardiovascular phenotype. Identifiers: MedGen CN230736.
Hereditary cancer-predisposing syndrome. Also called: Neoplastic Syndromes, Hereditary; Tumor predisposition; Hereditary Cancer Syndrome; Hereditary neoplastic syndrome. Identifiers: Orphanet 140162, MedGen C0027672, MeSH D009386, MONDO:0015356.

Submission:

Ambry Genetics
Classification: Uncertain significance for Cardiovascular phenotype; Hereditary cancer-predisposing syndrome. Last evaluated: 2025-12-04. Review status: criteria provided, single submitter. Criteria: Ambry Variant Classification Scheme 2023. Collection method: clinical testing. Allele origin: germline.
Comment: The p.P1930S variant (also known as c.5788C>T), located in coding exon 39 of the NF1 gene, results from a C to T substitution at nucleotide position 5788. The proline at codon 1930 is replaced by serine, an amino acid with similar properties. This amino acid position is highly conserved in available vertebrate species. In addition, this alteration is predicted to be deleterious by in silico analysis. Based on the available evidence, the clinical significance of this variant remains unclear.

NM_001042492.3(NF1):c.5851C>T (p.Pro1951Ser)

Gene: NF1 (neurofibromin 1; plus strand). Cytogenetic location: 17q11.2.
Variant type: single nucleotide variant.
Coding change: c.5851C>T on transcript NM_001042492.3 (MANE Select); coding-DNA position 5851, C replaced by T.
Protein change: p.Pro1951Ser; replaces proline 1951 with serine.
Molecular consequence: missense variant.
Genome position (GRCh38, 1-based): chr17:31,334,876, C>T. VCF-style: chr17-31334876-C-T. GRCh37 (hg19) VCF-style: chr17-29661894-C-T.
Other names: c.5788C>T, p.Pro1930Ser (NM_000267.4); short protein forms P1951S, P1930S.
Identifiers: ClinVar variation 4615825 (VCV004615825.1).